The following is an entry in ClinVar:

NM_002206.3(ITGA7):c.5C>T (p.Ala2Val)

Gene: ITGA7 (integrin subunit alpha 7; minus strand). Cytogenetic location: 12q13.2.
Variant type: single nucleotide variant.
Coding change: c.5C>T on transcript NM_002206.3 (MANE Select); coding-DNA position 5, C replaced by T.
Protein change: p.Ala2Val; replaces alanine 2 with valine.
Molecular consequence: missense variant. On other transcripts: 5 prime UTR variant (1), intron variant (3).
Genome position (GRCh38, 1-based): chr12:55,707,678, G>A on the plus strand (C>T on the coding strand, the complement: ITGA7 is on the minus strand). VCF-style: chr12-55707678-G-A. GRCh37 (hg19) VCF-style: chr12-56101462-G-A.
Other names: c.5C>T, p.Ala2Val (NM_001144996.2, NM_001374465.1, NM_001410977.1 and 6 more transcripts); c.-1168C>T (NM_001367994.1); c.85+4385C>T (NM_001144997.2); c.-134+4385C>T (NM_001367993.1, NM_001414035.1); short protein forms A2V.
Identifiers: ClinVar variation 936084 (VCV000936084.12), dbSNP rs867336411, ClinGen allele CA237585464.
Genomic context (GRCh38, chr12:55,707,678, plus strand): 5'-AGGGAGCCAAAAAGGTAGCAAATCCCGGAGGCCCCCCAAGGGTCGCGGCTCCGAGCCCCG[G>A]CCATGGGACGATCCCTGCGCGAGCTCCCAGCGAATGCAAGGGAAATCTCGCACGCCCCAA-3'
Protein context (NP_002197.2, residues 1-12): M[Ala2Val]GARSRDPWGA

ClinVar aggregate classification (germline): Uncertain significance. Review status: criteria provided, multiple submitters, no conflicts (2 of 4 stars). 3 submissions from 3 submitters: Uncertain significance (3). Last evaluated 2024-11-11.

Conditions:
Congenital muscular dystrophy due to integrin alpha-7 deficiency. Also called: Muscular dystrophy, congenital, due to ITGA7 deficiency; MYOPATHY, CONGENITAL, DUE TO INTEGRIN ALPHA-7 DEFICIENCY; Congenital muscular dystrophy with integrin alpha-7 deficiency. Identifiers: Orphanet 34520, MedGen C2750786, MONDO:0013177, OMIM 613204.

Allele frequency attached by ClinVar (database versions not stated): gnomAD exomes 0.00001 and 0.00002; TOPMed 0.00001.
gnomAD v4.1: 15 of 1,571,658 alleles (0.00095%); highest among the groups gnomAD compares: Non-Finnish European, 0.0012%; no homozygotes.

Submissions (3):

Labcorp Genetics (formerly Invitae), Labcorp
Classification: Uncertain significance for Congenital muscular dystrophy due to integrin alpha-7 deficiency. Last evaluated: 2024-11-11. Review status: criteria provided, single submitter. Criteria: Invitae Variant Classification Sherloc (09022015). Collection method: clinical testing. Allele origin: germline.
Comment: This sequence change replaces alanine, which is neutral and non-polar, with valine, which is neutral and non-polar, at codon 2 of the ITGA7 protein (p.Ala2Val). The frequency data for this variant in the population databases is considered unreliable, as metrics indicate poor data quality at this position in the gnomAD database. This variant has not been reported in the literature in individuals affected with ITGA7-related conditions. ClinVar contains an entry for this variant (Variation ID: 936084). An algorithm developed to predict the effect of missense changes on protein structure and function (PolyPhen-2) suggests that this variant is likely to be disruptive. In summary, the available evidence is currently insufficient to determine the role of this variant in disease. Therefore, it has been classified as a Variant of Uncertain Significance.

Ambry Genetics
Classification: Uncertain significance. Last evaluated: 2023-02-23. Review status: criteria provided, single submitter. Criteria: Ambry Variant Classification Scheme 2023. Collection method: clinical testing. Allele origin: germline.

Revvity Omics, Revvity
Classification: Uncertain significance for Congenital muscular dystrophy due to integrin alpha-7 deficiency. Last evaluated: 2021-04-14. Review status: criteria provided, single submitter. Criteria: ACMG Guidelines, 2015. Collection method: clinical testing. Allele origin: germline.